The following is an entry in ClinVar:

NM_000517.6(HBA2):c.245C>G (p.Ser82Cys)

Genes: HBA2 (hemoglobin subunit alpha 2; plus strand), LOC106804612 (hemoglobin subunit alpha 2 recombination region; plus strand). Cytogenetic location: 16p13.3.
Variant type: single nucleotide variant.
Coding change: c.245C>G on transcript NM_000517.6 (MANE Select); coding-DNA position 245, C replaced by G.
Protein change: p.Ser82Cys; replaces serine 82 with cysteine.
Molecular consequence: missense variant.
Genome position (GRCh38, 1-based): chr16:173,274, C>G. VCF-style: chr16-173274-C-G. GRCh37 (hg19) VCF-style: chr16-223273-C-G.
Other names: short protein forms S82C.
Identifiers: ClinVar variation 4532965 (VCV004532965.1).

ClinVar aggregate classification (germline): Uncertain significance (1 of 4 stars; one submission).

Submission:

Quest Diagnostics Nichols Institute San Juan Capistrano
Classification: Uncertain significance. Last evaluated: 2025-02-20. Review status: criteria provided, single submitter. Criteria: Quest Diagnostics criteria. Collection method: clinical testing. Allele origin: unknown.
Comment: This variant on the HBA1 gene was identified in another individual affected with a hemoglobinopathy (PMID: 26635043 (2016)). The alpha globin p.Ser82Cys variant is reported to have normal stability, Bohr effect, and Hill's coefficient (PMID: 7350933 (1980)). This variant also resisted methemoglobin formation and had an oxygen equilibrium curve with normal position and configuration, but the pO2 at 50% saturation was somewhat reduced (PMID: 7350933 (1980)). This HBA2 variant also has not been reported in large, multi-ethnic general populations (Genome Aggregation Database). Based on the available information, we are unable to determine the clinical significance of this variant.

Literature cited by the submitters: PubMed 31553106; PubMed 26824843; PubMed 26635043; PubMed 7350933.